The following is an entry in ClinVar:

ClinVar aggregate classification (germline): Conflicting classifications of pathogenicity. Review status: criteria provided, conflicting classifications (1 of 4 stars). 5 submissions from 5 submitters: Uncertain significance (1); Likely benign (3). 1 of the submissions does not count toward it. Last evaluated 2026-01-25.

Conditions:
EPB42-related disorder. Also called: EPB42-related condition.
Hereditary spherocytosis type 5. Also called: EPB42-Related Spherocytosis; EPB42-Related Hereditary Spherocytosis. Identifiers: Orphanet 822, MedGen C2675192, MONDO:0012985, OMIM 612690.

Allele frequency attached by ClinVar (database versions not stated): 1000 Genomes Project 30x 0.00016; 1000 Genomes Project 0.00020; gnomAD exomes 0.00020 and 0.00040; gnomAD 0.00023 and 0.00026; TOPMed 0.00025; ExAC 0.00030; ESP Exome Variant Server 0.00054.
gnomAD v4.1: 616 of 1,614,190 alleles (0.038%); highest among the groups gnomAD compares: Non-Finnish European, 0.049%; no homozygotes.

Submissions (5):

Labcorp Genetics (formerly Invitae), Labcorp
Classification: Likely benign. Last evaluated: 2026-01-25. Review status: criteria provided, single submitter. Criteria: Invitae Variant Classification Sherloc (09022015). Collection method: clinical testing. Allele origin: germline.

CeGaT Center for Human Genetics Tuebingen
Classification: Likely benign. Last evaluated: 2025-06-01. Review status: criteria provided, single submitter. Criteria: CeGaT Center For Human Genetics Tuebingen Variant Classification Criteria Version 2. Collection method: clinical testing. Allele origin: germline. Affected: yes. Observed: 2 variant alleles.
Comment: EPB42: BP4, BP7

Blueprint Genetics
Classification: Likely benign. Last evaluated: 2024-06-14. Review status: criteria provided, single submitter. Criteria: ACMG Guidelines, 2015. Collection method: clinical testing. Allele origin: germline.

Illumina Laboratory Services, Illumina
Classification: Uncertain significance for Hereditary spherocytosis type 5. Last evaluated: 2018-01-13. Review status: criteria provided, single submitter. Criteria: ICSL Variant Classification Criteria 13 December 2019. Collection method: clinical testing. Allele origin: germline.

PreventionGenetics, part of Exact Sciences
Classification: Likely benign for EPB42-related condition. Last evaluated: 2023-10-03. Review status: no assertion criteria provided. Collection method: clinical testing. Allele origin: germline. Not counted in ClinVar's aggregate classification.
Comment: This variant is classified as likely benign based on ACMG/AMP sequence variant interpretation guidelines (Richards et al. 2015 PMID: 25741868, with internal and published modifications).

NM_001114134.2(EPB42):c.1032T>C (p.Asp344=)

Gene: EPB42 (erythrocyte membrane protein band 4.2; minus strand). Cytogenetic location: 15q15.2.
Variant type: single nucleotide variant.
Coding change: c.1032T>C on transcript NM_001114134.2 (MANE Select); coding-DNA position 1032, T replaced by C.
Protein change: p.Asp344=; no amino-acid change (aspartic acid 344 retained).
Molecular consequence: synonymous variant.
Genome position (GRCh38, 1-based): chr15:43,208,273, A>G on the plus strand (T>C on the coding strand, the complement: EPB42 is on the minus strand). VCF-style: chr15-43208273-A-G. GRCh37 (hg19) VCF-style: chr15-43500471-A-G.
Other names: c.1122T>C, p.Asp374= (NM_000119.3).
Identifiers: ClinVar variation 255147 (VCV000255147.32), dbSNP rs150481419, ClinGen allele CA7520420.